The following is an entry in ClinVar:

NM_000371.4(TTR):c.200G>A (p.Gly67Glu)

Gene: TTR (transthyretin; plus strand). Cytogenetic location: 18q12.1.
Variant type: single nucleotide variant.
Coding change: c.200G>A on transcript NM_000371.4 (MANE Select); coding-DNA position 200, G replaced by A.
Protein change: p.Gly67Glu; replaces glycine 67 with glutamic acid.
Molecular consequence: missense variant.
Genome position (GRCh38, 1-based): chr18:31,593,026, G>A. VCF-style: chr18-31593026-G-A. GRCh37 (hg19) VCF-style: chr18-29172989-G-A.
Other names: short protein forms G67E.
Identifiers: ClinVar variation 803481 (VCV000803481.14), dbSNP rs121918090, ClinGen allele CA402156882.

ClinVar aggregate classification (germline): Pathogenic. Review status: criteria provided, multiple submitters, no conflicts (2 of 4 stars). 4 submissions from 4 submitters: Pathogenic (4). Last evaluated 2025-06-27.

Conditions:
Amyloidosis, hereditary systemic 1 (AMYLD1). Also called: Familial amyloid polyneuropathy; Transthyretin Amyloidosis; Hereditary Transthyretin Amyloidosis; Isolated Cardiac Amyloidosis; Amyloid Cardiomyopathy, Transthyretin-related; AMYLOID CARDIOMYOPATHY. Identifiers: Orphanet 85447, Orphanet 85451, MedGen C2751492, MONDO:0971004, OMIM 105210.
Cardiovascular phenotype. Identifiers: MedGen CN230736.

Submissions (4):

Ambry Genetics
Classification: Pathogenic for Cardiovascular phenotype. Last evaluated: 2025-06-27. Review status: criteria provided, single submitter. Criteria: Ambry Variant Classification Scheme 2023. Collection method: clinical testing. Allele origin: germline.
Comment: The p.G67E pathogenic mutation (also known as c.200G>A), located in coding exon 2 of the TTR gene, results from a G to A substitution at nucleotide position 200. The amino acid change results in glycine to glutamic acid at codon 67, an amino acid with similar properties. However, this change occurs in the last base pair of coding exon 2, which makes it likely to have some effect on normal mRNA splicing. This pathogenic mutation was first identified in two siblings presenting in their late third decade with peripheral neuropathy, autonomic dysfunction and a family history consistent with familial amyloid polyneuropathy; there was rapid progression of disease in this family along with anticipation in the age of onset of symptoms (Pelo E et al. Amyloid. 2002;9(1):35-41). An additional study identified this mutation in two unrelated individuals presenting with predominantly neurologic symptoms in their fourth decade; both patients had symptoms of renal impairment, motoric, sensoric, and autonomic polyneuropathy and one patient additionally had restrictive cardiac function (Barreiros AP et al. Liver Transpl. 2010;16(3):314-23). A functional study found this mutation lead to decreased conformational stability (Altland K et al. Electrophoresis. 2007;28(12):2053-64). Other variant(s) at the same codon, p.G67V (c.200G>T) and p.G67A (c.200G>C), have been identified in individual(s) with features consistent with with TTR-related amyloidosis (Saraiva MJ. Hum. Mutat., 1995;5:191-6; Ferlini A et al. Clin. Genet., 2000 Apr;57:284-90; Rapezzi C et al. Eur. Heart J., 2013 Feb;34:520-8; Suenaga G et al. Sci Rep, 2017 05;7:1579). This variant is considered to be rare based on population cohorts in the Genome Aggregation Database (gnomAD). This nucleotide position is highly conserved in available vertebrate species. In silico splice site analysis predicts that this alteration will not have any significant effect on splicing. This amino acid position is highly conserved in available vertebrate species. In addition, as a missense substitution this is predicted to be deleterious by in silico analysis. Based on the supporting evidence, this variant is interpreted as a disease-causing mutation.

Labcorp Genetics (formerly Invitae), Labcorp
Classification: Pathogenic for Amyloidosis, hereditary systemic 1. Last evaluated: 2025-01-19. Review status: criteria provided, single submitter. Criteria: Invitae Variant Classification Sherloc (09022015). Collection method: clinical testing. Allele origin: germline.
Comment: This sequence change replaces glycine, which is neutral and non-polar, with glutamic acid, which is acidic and polar, at codon 67 of the TTR protein (p.Gly67Glu). This variant also falls at the last nucleotide of exon 2, which is part of the consensus splice site for this exon. This variant is not present in population databases (gnomAD no frequency). This missense change has been observed in individual(s) with hereditary transthyretin-mediated amyloidosis (hATTR amyloidosis) (PMID: 12000196, 20209591; internal data). This variant is also known as p.Gly47Glu. ClinVar contains an entry for this variant (Variation ID: 803481). An algorithm developed to predict the effect of missense changes on protein structure and function (PolyPhen-2) suggests that this variant is likely to be disruptive. Variants that disrupt the consensus splice site are a relatively common cause of aberrant splicing (PMID: 17576681, 9536098). This variant disrupts the c.200G nucleotide in the TTR gene. Other variant(s) that disrupt this nucleotide have been determined to be pathogenic (PMID: 26986100). This suggests that this nucleotide is clinically significant, and that variants that disrupt this position are likely to be disease-causing. For these reasons, this variant has been classified as Pathogenic.

Women's Health and Genetics/Laboratory Corporation of America, LabCorp
Classification: Pathogenic for Amyloidosis, hereditary systemic 1. Last evaluated: 2024-11-04. Review status: criteria provided, single submitter. Criteria: LabCorp Variant Classification Summary - May 2015. Collection method: clinical testing. Allele origin: germline.
Comment: Variant summary: TTR c.200G>A (p.Gly67Glu) results in a non-conservative amino acid change located in the Transthyretin domain (IPR023416) of the encoded protein sequence. Five of five in-silico tools predict a damaging effect of the variant on protein function. Several computational tools predict a significant impact on normal splicing: Three predict the variant weakens a 5' donor site. However, these predictions have yet to be confirmed by functional studies. The variant was absent in 251660 control chromosomes. c.200G>A has been reported in the literature in multiple individuals affected with Transthyretin Amyloidosis (e.g. Pelo_2002, Haagsma_2004, Lachmann_2002, Rapezzi_2013, Labcorp (formerly Invitae)). These data indicate that the variant is very likely to be associated with disease. Multiple different variants located at the same codon (p.Gly67Ala, p.Gly67Val) have been classified as pathogenic by our lab supporting a critical relevance of this residue to TTR protein function. The following publications have been ascertained in the context of this evaluation (PMID: 22745357, 15185498, 12050338, 12000196). ClinVar contains an entry for this variant (Variation ID: 803481). Based on the evidence outlined above, the variant was classified as pathogenic.

Mendelics
Classification: Pathogenic for Amyloidosis, hereditary systemic 1. Last evaluated: 2019-05-28. Review status: criteria provided, single submitter. Criteria: Mendelics Assertion Criteria 2017. Collection method: clinical testing. Allele origin: unknown.

Literature cited by the submitters: PubMed 12000196 (cited by 3 submitters); PubMed 17503405 (cited by Ambry Genetics); PubMed 20209591 (cited by Ambry Genetics and Labcorp Genetics (formerly Invitae), Labcorp); PubMed 17576681 (cited by Labcorp Genetics (formerly Invitae), Labcorp); PubMed 9536098 (cited by Labcorp Genetics (formerly Invitae), Labcorp); PubMed 26986100 (cited by Labcorp Genetics (formerly Invitae), Labcorp); PubMed 22745357 (cited by Women's Health and Genetics/Laboratory Corporation of America, LabCorp); PubMed 15185498 (cited by Women's Health and Genetics/Laboratory Corporation of America, LabCorp); PubMed 12050338 (cited by Women's Health and Genetics/Laboratory Corporation of America, LabCorp).